The following is an entry in ClinVar:

NM_000138.5(FBN1):c.6164-3_6164-1del

Gene: FBN1 (fibrillin 1; minus strand). Cytogenetic location: 15q21.1.
Variant type: Deletion.
Coding change: c.6164-3_6164-1del on transcript NM_000138.5 (MANE Select); 3 bases into the intron before coding-DNA position 6164 through the canonical splice acceptor site of the intron before coding-DNA position 6164, 3 bases deleted (CAG; older notation c.6164-3_6164-1delCAG).
Molecular consequence: splice acceptor variant.
Genome position (GRCh38, 1-based): chr15:48,437,918-48,437,920, CTG deleted on the plus strand (CAG on the coding strand, the reverse complement: FBN1 is on the minus strand); deleting any 3 consecutive bases within chr15:48,437,918-48,437,921 gives the same sequence; the c. name uses the placement nearest the transcript's 3' end. VCF-style (leftmost placement, unchanged base first): chr15-48437917-TCTG-T. GRCh37 (hg19) VCF-style: chr15-48730114-TCTG-T.
Identifiers: ClinVar variation 858908 (VCV000858908.9), dbSNP rs2043085905, ClinGen allele CA916082412.

ClinVar aggregate classification (germline): Pathogenic (1 of 4 stars; one submission).

Conditions:
Familial thoracic aortic aneurysm and aortic dissection (TAAD). Also called: Thoracic aortic aneurysms and dissections. Identifiers: Orphanet 91387, MedGen C4707243, MONDO:0019625.
Marfan syndrome (MFS). Also called: FBN1-Related Marfan Syndrome; Marfan's syndrome; MARFAN SYNDROME, TYPE I; Marfan syndrome type 1; Marfan syndrome, classic. Identifiers: Orphanet 284963, Orphanet 558, MedGen C0024796, MONDO:0007947, OMIM 154700.

Submission:

Labcorp Genetics (formerly Invitae), Labcorp
Classification: Pathogenic for Marfan syndrome; Familial thoracic aortic aneurysm and aortic dissection. Last evaluated: 2019-05-08. Review status: criteria provided, single submitter. Criteria: Invitae Variant Classification Sherloc (09022015). Collection method: clinical testing. Allele origin: germline.
Comment: This sequence change affects an acceptor splice site in intron 50 of the FBN1 gene. It is expected to disrupt RNA splicing and likely results in an absent or disrupted protein product. This variant is not present in population databases (ExAC no frequency). Disruption of this splice site has been observed in individuals affected with Marfan syndrome (PMID: 16220557, 25613431). Donor and acceptor splice site variants typically lead to a loss of protein function (PMID: 16199547), and loss-of-function variants in FBN1 are known to be pathogenic (PMID: 17657824, 19293843). For these reasons, this variant has been classified as Pathogenic.

Literature cited by the submitters: PubMed 16220557; PubMed 25613431; PubMed 16199547; PubMed 17657824; PubMed 19293843.